The following is an entry in ClinVar:

NM_031220.4(PITPNM3):c.1850G>A (p.Arg617Gln)

Gene: PITPNM3 (PITPNM family member 3; minus strand). Cytogenetic location: 17p13.2.
Variant type: single nucleotide variant.
Coding change: c.1850G>A on transcript NM_031220.4 (MANE Select); coding-DNA position 1850, G replaced by A.
Protein change: p.Arg617Gln; replaces arginine 617 with glutamine.
Molecular consequence: missense variant.
Genome position (GRCh38, 1-based): chr17:6,468,265, C>T on the plus strand (G>A on the coding strand, the complement: PITPNM3 is on the minus strand). VCF-style: chr17-6468265-C-T. GRCh37 (hg19) VCF-style: chr17-6371585-C-T.
Other names: c.1742G>A, p.Arg581Gln (NM_001165966.2); short protein forms R581Q, R617Q.
Identifiers: ClinVar variation 958030 (VCV000958030.10), dbSNP rs754791081, ClinGen allele CA8329364.
Genomic context (GRCh38, chr17:6,468,265, plus strand): 5'-CGAACTGAGCATGCACGCACCCTCAGCTTGACCTGAGTCCGCTTACGAAGCCACTTCTCC[C>T]GGGGGTTGGCAGGACTCAGTGCTGCAGGGTCCAGGCGGGCGCTTTCCTTGATGTTCACGC-3'
Protein context (NP_112497.2, residues 607-627): DPAALSPANP[Arg617Gln]EKWLRKRTQV

ClinVar aggregate classification (germline): Uncertain significance. Review status: criteria provided, multiple submitters, no conflicts (2 of 4 stars). 2 submissions from 2 submitters: Uncertain significance (2). Last evaluated 2025-03-22.

Allele frequency attached by ClinVar (database versions not stated): ExAC 0.00001; gnomAD exomes 0.00002; TOPMed 0.00002; gnomAD 0.00004.
gnomAD v4.1: 29 of 1,613,722 alleles (0.0018%); highest among the groups gnomAD compares: East Asian, 0.018%; 1 homozygote.

Submissions (2):

Ambry Genetics
Classification: Uncertain significance. Last evaluated: 2025-03-22. Review status: criteria provided, single submitter. Criteria: Ambry Variant Classification Scheme 2023. Collection method: clinical testing. Allele origin: germline.

Labcorp Genetics (formerly Invitae), Labcorp
Classification: Uncertain significance. Last evaluated: 2024-10-15. Review status: criteria provided, single submitter. Criteria: Invitae Variant Classification Sherloc (09022015). Collection method: clinical testing. Allele origin: germline.
Comment: This sequence change replaces arginine, which is basic and polar, with glutamine, which is neutral and polar, at codon 617 of the PITPNM3 protein (p.Arg617Gln). This variant is present in population databases (rs754791081, gnomAD 0.01%). This missense change has been observed in individual(s) with retinitis pigmentosa (internal data). ClinVar contains an entry for this variant (Variation ID: 958030). Invitae Evidence Modeling of protein sequence and biophysical properties (such as structural, functional, and spatial information, amino acid conservation, physicochemical variation, residue mobility, and thermodynamic stability) has been performed for this missense variant. However, the output from this modeling did not meet the statistical confidence thresholds required to predict the impact of this variant on PITPNM3 protein function. In summary, the available evidence is currently insufficient to determine the role of this variant in disease. Therefore, it has been classified as a Variant of Uncertain Significance.